The following is an entry in ClinVar:

ClinVar aggregate classification (germline): Uncertain significance (1 of 4 stars; one submission).

Conditions:
Hereditary cancer-predisposing syndrome. Also called: Neoplastic Syndromes, Hereditary; Tumor predisposition; Hereditary Cancer Syndrome; Hereditary neoplastic syndrome. Identifiers: Orphanet 140162, MedGen C0027672, MeSH D009386, MONDO:0015356.

Submission:

Ambry Genetics
Classification: Uncertain significance for Hereditary cancer-predisposing syndrome. Last evaluated: 2025-09-16. Review status: criteria provided, single submitter. Criteria: Ambry Variant Classification Scheme 2023. Collection method: clinical testing. Allele origin: germline.
Comment: The c.103_105delGAG variant (also known as p.E35del) is located in coding exon 1 of the NTHL1 gene. This variant results from an in-frame GAG deletion at nucleotide positions 103 to 105. This results in the in-frame deletion of a glutamic acid at codon 35. This amino acid position is not well conserved in available vertebrate species. In addition, this variant is predicted to be neutral by in silico analysis (Choi Y et al. PLoS ONE. 2012; 7(10):e46688). Based on the available evidence, the clinical significance of this variant remains unclear.

NM_002528.7(NTHL1):c.76GAG[1] (p.Glu27del)

Gene: NTHL1 (nth like DNA glycosylase 1; minus strand). Cytogenetic location: 16p13.3.
Variant type: Microsatellite.
Coding change: c.76GAG[1] on transcript NM_002528.7 (MANE Select); one copy of the 3-base unit GAG starting at c.76; the reference has two copies in a row; one copy, 3 bases deleted.
Protein change: p.Glu27del; deletes glutamic acid 27.
Molecular consequence: inframe deletion. On other transcripts: 5 prime UTR variant (1).
Genome position (GRCh38, 1-based): chr16:2,047,743-2,047,745, CTC deleted on the plus strand (GAG on the coding strand, the reverse complement: NTHL1 is on the minus strand); deleting any 3 consecutive bases within chr16:2,047,743-2,047,749 gives the same sequence; the position shown is the placement nearest the transcript's 3' end. VCF-style (leftmost placement, unchanged base first): chr16-2047742-GCTC-G. GRCh37 (hg19) VCF-style: chr16-2097743-GCTC-G.
Other names: c.76GAG[1], p.Glu27del (NM_001318193.2); c.-103GAG[1] (NM_001318194.2); short protein forms E27del.
Identifiers: ClinVar variation 4662210 (VCV004662210.1).